The following is an entry in ClinVar:

NM_003477.3(PDHX):c.569A>G (p.Asn190Ser)

Gene: PDHX (pyruvate dehydrogenase complex component X; plus strand). Cytogenetic location: 11p13.
Variant type: single nucleotide variant.
Coding change: c.569A>G on transcript NM_003477.3 (MANE Select); coding-DNA position 569, A replaced by G.
Protein change: p.Asn190Ser; replaces asparagine 190 with serine.
Molecular consequence: missense variant. On other transcripts: intron variant (1).
Genome position (GRCh38, 1-based): chr11:34,960,446, A>G. VCF-style: chr11-34960446-A-G. GRCh37 (hg19) VCF-style: chr11-34981993-A-G.
Other names: c.389A>G, p.Asn130Ser (NM_001135024.2); c.342+12840A>G (NM_001166158.2); short protein forms N190S, N130S.
Identifiers: ClinVar variation 4737733 (VCV004737733.1).

ClinVar aggregate classification (germline): Uncertain significance (1 of 4 stars; one submission).

gnomAD v4.1: 14 of 1,613,446 alleles (0.00087%); highest among the groups gnomAD compares: Middle Eastern, 0.083%; no homozygotes.

Submission:

Labcorp Genetics (formerly Invitae), Labcorp
Classification: Uncertain significance. Last evaluated: 2026-01-20. Review status: criteria provided, single submitter. Criteria: Invitae Variant Classification Sherloc (09022015). Collection method: clinical testing. Allele origin: germline.
Comment: This sequence change replaces asparagine, which is neutral and polar, with serine, which is neutral and polar, at codon 190 of the PDHX protein (p.Asn190Ser). This variant is present in population databases (rs745475982, gnomAD 0.0009%). This variant has not been reported in the literature in individuals affected with PDHX-related conditions. Invitae Evidence Modeling of protein sequence and biophysical properties (such as structural, functional, and spatial information, amino acid conservation, physicochemical variation, residue mobility, and thermodynamic stability) indicates that this missense variant is not expected to disrupt PDHX protein function with a negative predictive value of 80%. In summary, the available evidence is currently insufficient to determine the role of this variant in disease. Therefore, it has been classified as a Variant of Uncertain Significance.